The following is an entry in ClinVar:

NM_001018115.3(FANCD2):c.1348A>G (p.Ile450Val)

Genes: FANCD2 (FA complementation group D2; plus strand), LOC107303338 (3p25 FANCD2 Alu-mediated recombination region; plus strand). Cytogenetic location: 3p25.3.
Variant type: single nucleotide variant.
Coding change: c.1348A>G on transcript NM_001018115.3 (MANE Select); coding-DNA position 1348, A replaced by G.
Protein change: p.Ile450Val; replaces isoleucine 450 with valine.
Molecular consequence: missense variant.
Genome position (GRCh38, 1-based): chr3:10,047,986, A>G. VCF-style: chr3-10047986-A-G. GRCh37 (hg19) VCF-style: chr3-10089670-A-G.
Other names: c.1348A>G, p.Ile450Val (NM_001319984.2, NM_001374253.1, NM_001374254.1 and 1 more transcripts); short protein forms I450V.
Identifiers: ClinVar variation 456344 (VCV000456344.54), dbSNP rs145129959, ClinGen allele CA2249616.
Genomic context (GRCh38, chr3:10,047,986, plus strand): 5'-GATATGTGTTCATCCATTCTGTCGCTGGCTCAGAGTTTGCTTCACTCTCTAGACCAGAGT[A>G]TAATTTCATTTGGCAGTCTCCTATACAAATATGCATTTAAGTTTTTTGACACGTACTGCC-3'
Protein context (NP_001018125.1, residues 440-460): QSLLHSLDQS[Ile450Val]ISFGSLLYKY

ClinVar aggregate classification (germline): Conflicting classifications of pathogenicity. Review status: criteria provided, conflicting classifications (1 of 4 stars). 7 submissions from 7 submitters: Uncertain significance (4); Likely benign (1). 2 of the submissions do not count toward it. Last evaluated 2024-07-11.

Conditions:
Fanconi anemia (FA). Also called: Fanconi's anemia. Identifiers: Orphanet 84, MedGen C0015625, MeSH D005199, MONDO:0019391.
Fanconi anemia complementation group D2. Also called: FANCD2-Related Fanconi Anemia; FANCONI PANCYTOPENIA, TYPE 4; FANCONI ANEMIA, COMPLEMENTATION GROUP D. Identifiers: Orphanet 84, MedGen C3160738, MONDO:0009214, OMIM 227646.

Allele frequency attached by ClinVar (database versions not stated): ESP Exome Variant Server 0.00015; gnomAD 0.00016 and 0.00021; ExAC 0.00039; 1000 Genomes Project 30x 0.00047.

Submissions (7):

Women's Health and Genetics/Laboratory Corporation of America, LabCorp
Classification: Uncertain significance. Last evaluated: 2024-07-11. Review status: criteria provided, single submitter. Criteria: LabCorp Variant Classification Summary - May 2015. Collection method: clinical testing. Allele origin: germline.
Comment: Variant summary: FANCD2 c.1348A>G (p.Ile450Val) results in a conservative amino acid change in the encoded protein sequence. Five of five in-silico tools predict a benign effect of the variant on protein function. The variant allele was found at a frequency of 0.00021 in 152400 control chromosomes. This frequency is not significantly higher than estimated for a pathogenic variant in FANCD2 causing Fanconi Anemia (0.00021 vs 0.00048), allowing no conclusion about variant significance. c.1348A>G has been reported in the literature in at least one individual affected with breast cancer (e.g. Jalkh_2017). This report does not provide unequivocal conclusions about association of the variant with Fanconi Anemia. To our knowledge, no experimental evidence demonstrating an impact on protein function has been reported. The following publication has been ascertained in the context of this evaluation (PMID: 28202063). ClinVar contains an entry for this variant (Variation ID: 456344). Based on the evidence outlined above, the variant was classified as uncertain significance.

CeGaT Center for Human Genetics Tuebingen
Classification: Likely benign. Last evaluated: 2022-11-01. Review status: criteria provided, single submitter. Criteria: CeGaT Center For Human Genetics Tuebingen Variant Classification Criteria Version 2. Collection method: clinical testing. Allele origin: germline. Affected: yes. Observed: 2 variant alleles.
Comment: FANCD2: BP4

Labcorp Genetics (formerly Invitae), Labcorp
Classification: Uncertain significance for Fanconi anemia. Last evaluated: 2022-10-13. Review status: criteria provided, single submitter. Criteria: Invitae Variant Classification Sherloc (09022015). Collection method: clinical testing. Allele origin: germline.
Comment: In summary, the available evidence is currently insufficient to determine the role of this variant in disease. Therefore, it has been classified as a Variant of Uncertain Significance. Advanced modeling of protein sequence and biophysical properties (such as structural, functional, and spatial information, amino acid conservation, physicochemical variation, residue mobility, and thermodynamic stability) performed at Invitae indicates that this missense variant is not expected to disrupt FANCD2 protein function. ClinVar contains an entry for this variant (Variation ID: 456344). This missense change has been observed in individual(s) with breast cancer (PMID: 28202063). The frequency data for this variant in the population databases is considered unreliable, as metrics indicate poor data quality at this position in the gnomAD database. This sequence change replaces isoleucine, which is neutral and non-polar, with valine, which is neutral and non-polar, at codon 450 of the FANCD2 protein (p.Ile450Val).

Sema4
Classification: Uncertain significance for Fanconi anemia. Last evaluated: 2022-03-11. Review status: criteria provided, single submitter. Criteria: Sema4 Curation Guidelines. Collection method: curation. Allele origin: germline.
Comment: The FANCD2 c.1348A>G (p.I450V) variant has not been reported in the literature to our knowledge. It was observed in 11/30524 chromosomes of the South Asian subpopulation, with no homozygotes, in the large and broad cohorts of the Genome Aggregation Database (PMID: 32461654). The variant has been reported in ClinVar (Variation ID 456344). In silico tools suggest the impact of the variant on protein function is benign, though these predictions have not been confirmed by functional studies. The evidence is insufficient to meet ACMG/AMP criteria for classifying the variant as benign or pathogenic. Thus, the clinical significance of this variant is currently uncertain.

Fulgent Genetics
Classification: Uncertain significance for Fanconi anemia complementation group D2. Last evaluated: 2018-10-31. Review status: criteria provided, single submitter. Criteria: ACMG Guidelines, 2015. Collection method: clinical testing. Allele origin: unknown.

Clinical Genetics DNA and cytogenetics Diagnostics Lab, Erasmus MC, Erasmus Medical Center
Classification: Likely benign. Review status: no assertion criteria provided. Collection method: clinical testing. Allele origin: germline. Affected: yes. Study: VKGL Data-share Consensus. Not counted in ClinVar's aggregate classification.

Laboratory of Diagnostic Genome Analysis, Leiden University Medical Center (LUMC)
Classification: Likely benign. Review status: no assertion criteria provided. Collection method: clinical testing. Allele origin: germline. Affected: yes. Study: VKGL Data-share Consensus. Not counted in ClinVar's aggregate classification.

Literature cited by the submitters: PubMed 28202063 (cited by Women's Health and Genetics/Laboratory Corporation of America, LabCorp and Labcorp Genetics (formerly Invitae), Labcorp).